The following is an entry in ClinVar:

NM_016047.4(SF3B6):c.156C>T (p.Asn52=)

Gene: SF3B6 (splicing factor 3b subunit 6; minus strand). Cytogenetic location: 2p23.3.
Variant type: single nucleotide variant.
Coding change: c.156C>T on transcript NM_016047.4 (MANE Select); coding-DNA position 156, C replaced by T.
Protein change: p.Asn52=; no amino-acid change (asparagine 52 retained).
Molecular consequence: synonymous variant.
Genome position (GRCh38, 1-based): chr2:24,068,453, G>A on the plus strand (C>T on the coding strand, the complement: SF3B6 is on the minus strand). VCF-style: chr2-24068453-G-A. GRCh37 (hg19) VCF-style: chr2-24291323-G-A.
Identifiers: ClinVar variation 777563 (VCV000777563.29), dbSNP rs41281479, ClinGen allele CA1549434.

ClinVar aggregate classification (germline): Benign/Likely benign. Review status: criteria provided, multiple submitters, no conflicts (2 of 4 stars). 3 submissions from 3 submitters: Benign (2); Likely benign (1). Last evaluated 2023-01-01.

Allele frequency attached by ClinVar (database versions not stated): 1000 Genomes Project 0.00060; 1000 Genomes Project 30x 0.00109; TOPMed 0.00341; gnomAD 0.00342 and 0.00361; ESP Exome Variant Server 0.00561.
gnomAD v4.1: 10,067 of 1,611,326 alleles (0.62%); highest among the groups gnomAD compares: Non-Finnish European, 0.81%; 51 homozygotes.

Submissions (3):

CeGaT Center for Human Genetics Tuebingen
Classification: Likely benign. Last evaluated: 2023-01-01. Review status: criteria provided, single submitter. Criteria: CeGaT Center For Human Genetics Tuebingen Variant Classification Criteria Version 2. Collection method: clinical testing. Allele origin: germline. Affected: yes. Observed: 1 variant allele.
Comment: SF3B6: BP4, BP7, BS2

Labcorp Genetics (formerly Invitae), Labcorp
Classification: Benign. Last evaluated: 2019-12-31. Review status: criteria provided, single submitter. Criteria: Invitae Variant Classification Sherloc (09022015). Collection method: clinical testing. Allele origin: germline.

Breakthrough Genomics
Classification: Benign. Review status: criteria provided, single submitter. Criteria: ACMG Guidelines, 2015. Collection method: not provided. Allele origin: germline. Inheritance: Unknown mechanism. Affected: yes.